The following is an entry in ClinVar:

ClinVar aggregate classification (germline): Benign/Likely benign. Review status: criteria provided, multiple submitters, no conflicts (2 of 4 stars). 2 submissions from 2 submitters: Benign (1); Likely benign (1). Last evaluated 2026-01-05.

Conditions:
Methylmalonic acidemia with homocystinuria, type cblX (MAHCX). Also called: INTELLECTUAL DEVELOPMENTAL DISORDER, X-LINKED 3. Identifiers: Orphanet 369962, MedGen C0796208, MONDO:0010657, OMIM 309541.

Allele frequency attached by ClinVar (database versions not stated): TOPMed 0.00006; 1000 Genomes Project 30x 0.00042.
gnomAD v4.1: 77 of 1,195,762 alleles (0.0064%); highest among the groups gnomAD compares: Admixed American, 0.17%; no homozygotes.

Submissions (2):

Labcorp Genetics (formerly Invitae), Labcorp
Classification: Benign for Methylmalonic acidemia with homocystinuria, type cblX. Last evaluated: 2026-01-05. Review status: criteria provided, single submitter. Criteria: Invitae Variant Classification Sherloc (09022015). Collection method: clinical testing. Allele origin: germline.

GeneDx
Classification: Likely benign. Last evaluated: 2018-03-01. Review status: criteria provided, single submitter. Criteria: GeneDx Variant Classification (06012015). Collection method: clinical testing. Allele origin: germline. Affected: yes.
Comment: This variant is considered likely benign or benign based on one or more of the following criteria: it is a conservative change, it occurs at a poorly conserved position in the protein, it is predicted to be benign by multiple in silico algorithms, and/or has population frequency not consistent with disease.

NM_005334.3(HCFC1):c.6005-12C>G

Gene: HCFC1 (host cell factor C1; minus strand). Cytogenetic location: Xq28.
Variant type: single nucleotide variant.
Coding change: c.6005-12C>G on transcript NM_005334.3 (MANE Select); 12 bases into the intron before coding-DNA position 6005, C replaced by G.
Molecular consequence: intron variant.
Genome position (GRCh38, 1-based): chrX:153,949,628, G>C on the plus strand (C>G on the coding strand, the complement: HCFC1 is on the minus strand). VCF-style: chrX-153949628-G-C. GRCh37 (hg19) VCF-style: chrX-153215079-G-C.
Identifiers: ClinVar variation 380554 (VCV000380554.6), dbSNP rs181583112, ClinGen allele CA10556685.